The following is an entry in ClinVar:

NM_001142800.2(EYS):c.4141G>A (p.Gly1381Ser)

Gene: EYS (eyes shut homolog; minus strand). Cytogenetic location: 6q12.
Variant type: single nucleotide variant.
Coding change: c.4141G>A on transcript NM_001142800.2 (MANE Select); coding-DNA position 4141, G replaced by A.
Protein change: p.Gly1381Ser; replaces glycine 1381 with serine.
Molecular consequence: missense variant.
Genome position (GRCh38, 1-based): chr6:64,591,726, C>T on the plus strand (G>A on the coding strand, the complement: EYS is on the minus strand). VCF-style: chr6-64591726-C-T. GRCh37 (hg19) VCF-style: chr6-65301619-C-T.
Other names: c.4141G>A, p.Gly1381Ser (NM_001292009.2); c.4141G>A (NM_001142800.1); short protein forms G1381S.
Identifiers: ClinVar variation 1376178 (VCV001376178.6), dbSNP rs1758206278, ClinGen allele CA364783965.

ClinVar aggregate classification (germline): Uncertain significance. Review status: criteria provided, multiple submitters, no conflicts (2 of 4 stars). 2 submissions from 2 submitters: Uncertain significance (2). Last evaluated 2024-06-18.

Conditions:
Inborn genetic diseases. Identifiers: MedGen C0950123, MeSH D030342.

Allele frequency attached by ClinVar (database versions not stated): gnomAD exomes below 0.00001; TOPMed 0.00001.
gnomAD v4.1: 1 of 1,551,294 alleles (0.000064%); highest among the groups gnomAD compares: Admixed American, 0.002%; no homozygotes.

Submissions (2):

Ambry Genetics
Classification: Uncertain significance for Inborn genetic diseases. Last evaluated: 2024-06-18. Review status: criteria provided, single submitter. Criteria: Ambry Variant Classification Scheme 2023. Collection method: clinical testing. Allele origin: germline.

Labcorp Genetics (formerly Invitae), Labcorp
Classification: Uncertain significance. Last evaluated: 2021-08-30. Review status: criteria provided, single submitter. Criteria: Invitae Variant Classification Sherloc (09022015). Collection method: clinical testing. Allele origin: germline.
Comment: This sequence change replaces glycine with serine at codon 1381 of the EYS protein (p.Gly1381Ser). The glycine residue is moderately conserved and there is a small physicochemical difference between glycine and serine. This variant is not present in population databases (ExAC no frequency). This variant has not been reported in the literature in individuals affected with EYS-related conditions. Algorithms developed to predict the effect of missense changes on protein structure and function output the following: SIFT: "Tolerated"; PolyPhen-2: "Benign"; Align-GVGD: "Class C0". The serine amino acid residue is found in multiple mammalian species, which suggests that this missense change does not adversely affect protein function. In summary, the available evidence is currently insufficient to determine the role of this variant in disease. Therefore, it has been classified as a Variant of Uncertain Significance.